The following is an entry in ClinVar:

NM_013451.4(MYOF):c.4200T>A (p.Phe1400Leu)

Gene: MYOF (myoferlin; minus strand). Cytogenetic location: 10q23.33.
Variant type: single nucleotide variant.
Coding change: c.4200T>A on transcript NM_013451.4 (MANE Select); coding-DNA position 4200, T replaced by A.
Protein change: p.Phe1400Leu; replaces phenylalanine 1400 with leucine.
Molecular consequence: missense variant.
Genome position (GRCh38, 1-based): chr10:93,347,666, A>T on the plus strand (T>A on the coding strand, the complement: MYOF is on the minus strand). VCF-style: chr10-93347666-A-T. GRCh37 (hg19) VCF-style: chr10-95107423-A-T.
Other names: c.4161T>A, p.Phe1387Leu (NM_133337.3); short protein forms F1387L, F1400L.
Identifiers: ClinVar variation 2640689 (VCV002640689.24), dbSNP rs41298243, ClinGen allele CA5607250.

ClinVar aggregate classification (germline): Likely benign (1 of 4 stars; one submission).

Allele frequency attached by ClinVar (database versions not stated): 1000 Genomes Project 0.00020; 1000 Genomes Project 30x 0.00031; TOPMed 0.00055; gnomAD 0.00058; ESP Exome Variant Server 0.00074; ExAC 0.00076; gnomAD exomes 0.00088.
gnomAD v4.1: 1,357 of 1,614,042 alleles (0.084%); highest among the groups gnomAD compares: Non-Finnish European, 0.11%; 1 homozygote.

Submission:

CeGaT Center for Human Genetics Tuebingen
Classification: Likely benign. Last evaluated: 2022-10-01. Review status: criteria provided, single submitter. Criteria: CeGaT Center For Human Genetics Tuebingen Variant Classification Criteria Version 2. Collection method: clinical testing. Allele origin: germline. Affected: yes. Observed: 1 variant allele.
Comment: MYOF: BS1